The following is an entry in ClinVar:

NM_002691.4(POLD1):c.2006+17G>A

Gene: POLD1 (DNA polymerase delta 1, catalytic subunit; plus strand). Cytogenetic location: 19q13.33.
Variant type: single nucleotide variant.
Coding change: c.2006+17G>A on transcript NM_002691.4 (MANE Select); 17 bases into the intron after coding-DNA position 2006, G replaced by A.
Molecular consequence: intron variant.
Genome position (GRCh38, 1-based): chr19:50,409,252, G>A. VCF-style: chr19-50409252-G-A. GRCh37 (hg19) VCF-style: chr19-50912509-G-A.
Other names: c.2006+17G>A (LRG_785t1, NM_001256849.1, NM_002691.2); c.2084+17G>A (LRG_785t2, NM_001308632.1).
Identifiers: ClinVar variation 380639 (VCV000380639.11), dbSNP rs55655121, ClinGen allele CA9596346.

ClinVar aggregate classification (germline): Conflicting classifications of pathogenicity. Review status: criteria provided, conflicting classifications (1 of 4 stars). 4 submissions from 4 submitters: Uncertain significance (1); Benign (1); Likely benign (2). Last evaluated 2026-02-03.

Conditions:
Hereditary cancer-predisposing syndrome. Also called: Neoplastic Syndromes, Hereditary; Hereditary neoplastic syndrome; Hereditary Cancer Syndrome; Tumor predisposition. Identifiers: Orphanet 140162, MedGen C0027672, MeSH D009386, MONDO:0015356.
POLD1-related polyposis and colorectal cancer syndrome (CRCS10). Also called: Colorectal cancer, susceptibility to, 10; Colorectal cancer 10; COLORECTAL CANCER, SUSCEPTIBILITY TO, ON CHROMOSOME 19q. Identifiers: Orphanet 220460, MedGen C2675481, MONDO:0012953, OMIM 612591.

Allele frequency attached by ClinVar (database versions not stated): gnomAD exomes 0.00018 and 0.00046; 1000 Genomes Project 30x 0.00047; 1000 Genomes Project 0.00060; ExAC 0.00072; gnomAD 0.00165 and 0.00182; ESP Exome Variant Server 0.00277; TOPMed 0.00195.
gnomAD v4.1: 499 of 1,541,130 alleles (0.032%); highest among the groups gnomAD compares: African/African-American, 0.62%; 5 homozygotes.

Submissions (4):

Labcorp Genetics (formerly Invitae), Labcorp
Classification: Benign for POLD1-related polyposis and colorectal cancer syndrome. Last evaluated: 2026-02-03. Review status: criteria provided, single submitter. Criteria: Invitae Variant Classification Sherloc (09022015). Collection method: clinical testing. Allele origin: germline.

Blueprint Genetics
Classification: Likely benign. Last evaluated: 2024-11-11. Review status: criteria provided, single submitter. Criteria: ACMG Guidelines, 2015. Collection method: clinical testing. Allele origin: germline.

GeneDx
Classification: Likely benign. Last evaluated: 2017-07-05. Review status: criteria provided, single submitter. Criteria: GeneDx Variant Classification (06012015). Collection method: clinical testing. Allele origin: germline. Affected: yes.
Comment: This variant is considered likely benign or benign based on one or more of the following criteria: it is a conservative change, it occurs at a poorly conserved position in the protein, it is predicted to be benign by multiple in silico algorithms, and/or has population frequency not consistent with disease.

Ambry Genetics
Classification: Uncertain significance for Hereditary cancer-predisposing syndrome. Last evaluated: 2015-06-04. Review status: criteria provided, single submitter. Criteria: Ambry Variant Classification Scheme 2023. Collection method: clinical testing. Allele origin: germline.
Comment: The c.2006+17G>A intronic alteration consists of a G to A substitution 7 nucleotides after coding exon 15 in the POLD1 gene. Based on insufficient or conflicting evidence, the clinical significance of this alteration remains unclear.